The following is an entry in ClinVar:

ClinVar aggregate classification (germline): Uncertain significance (1 of 4 stars; one submission).

Conditions:
Neurodevelopmental disorder with seizures, spasticity, and complete or partial agenesis of the corpus callosum (NEDSSCC). Identifiers: MedGen C5830296, MONDO:0859516, OMIM 620250.

gnomAD v4.1: 39 of 1,613,856 alleles (0.0024%); highest among the groups gnomAD compares: South Asian, 0.0066%; no homozygotes.

Submission:

Dasa
Classification: Uncertain significance for Neurodevelopmental disorder with seizures, spasticity, and complete or partial agenesis of the corpus callosum. Last evaluated: 2026-01-29. Review status: criteria provided, single submitter. Criteria: DASA Assertion Criteria. Collection method: clinical testing. Allele origin: germline.
Comment: NM_001388303.1(HECTD4):c.11230G>A (p.Val3744Met) is a missense variant that results in the substitution of valine with methionine. This variant is rare in population databases. Computational prediction algorithms are consistent with a benign effect. The currently available literature and clinical evidence are not sufficient to establish a definitive association between this variant and the reported condition. Therefore, this variant is classified as a variant of uncertain significance.

NM_001388303.1(HECTD4):c.11230G>A (p.Val3744Met)

Gene: HECTD4 (HECT domain E3 ubiquitin protein ligase 4; minus strand). Cytogenetic location: 12q24.13.
Variant type: single nucleotide variant.
Coding change: c.11230G>A on transcript NM_001388303.1 (MANE Select); coding-DNA position 11230, G replaced by A.
Protein change: p.Val3744Met; replaces valine 3744 with methionine.
Molecular consequence: missense variant.
Genome position (GRCh38, 1-based): chr12:112,179,064, C>T on the plus strand (G>A on the coding strand, the complement: HECTD4 is on the minus strand). VCF-style: chr12-112179064-C-T. GRCh37 (hg19) VCF-style: chr12-112616868-C-T.
Other names: c.11260G>A, p.Val3754Met (NM_001109662.4); short protein forms V3744M, V3754M.
Identifiers: ClinVar variation 4882805 (VCV004882805.2).